The following is an entry in ClinVar:

ClinVar aggregate classification (germline): Uncertain significance (1 of 4 stars; one submission).

Allele frequency attached by ClinVar (database versions not stated): gnomAD exomes 0.00001.
gnomAD v4.1: 2 of 1,113,464 alleles (0.00018%); highest among the groups gnomAD compares: Non-Finnish European, 0.00023%; no homozygotes.

Submission:

Labcorp Genetics (formerly Invitae), Labcorp
Classification: Uncertain significance. Last evaluated: 2019-09-26. Review status: criteria provided, single submitter. Criteria: Invitae Variant Classification Sherloc (09022015). Collection method: clinical testing. Allele origin: germline.
Comment: In summary, the available evidence is currently insufficient to determine the role of this variant in disease. Therefore, it has been classified as a Variant of Uncertain Significance. Algorithms developed to predict the effect of missense changes on protein structure and function are either unavailable or do not agree on the potential impact of this missense change (SIFT: "Tolerated"; PolyPhen-2: "Possibly Damaging"; Align-GVGD: "Class C0"). This variant has not been reported in the literature in individuals with NYX-related conditions. The frequency data for this variant in the population databases is considered unreliable, as metrics indicate insufficient coverage at this position in the ExAC database. This sequence change replaces alanine with valine at codon 160 of the NYX protein (p.Ala160Val). The alanine residue is moderately conserved and there is a small physicochemical difference between alanine and valine.

NM_001378477.3(NYX):c.464C>T (p.Ala155Val)

Gene: NYX (nyctalopin; plus strand). Cytogenetic location: Xp11.4.
Variant type: single nucleotide variant.
Coding change: c.464C>T on transcript NM_001378477.3 (MANE Select); coding-DNA position 464, C replaced by T.
Protein change: p.Ala155Val; replaces alanine 155 with valine.
Molecular consequence: missense variant.
Genome position (GRCh38, 1-based): chrX:41,473,932, C>T. VCF-style: chrX-41473932-C-T. GRCh37 (hg19) VCF-style: chrX-41333185-C-T.
Other names: c.464C>T, p.Ala155Val (NM_022567.3); short protein forms A160V, A155V.
Identifiers: ClinVar variation 934826 (VCV000934826.9), dbSNP rs2064375118, ClinGen allele CA412990480.